The following is an entry in ClinVar:

NM_182961.4(SYNE1):c.4000C>G (p.Arg1334Gly)

Gene: SYNE1 (spectrin repeat containing nuclear envelope protein 1; minus strand). Cytogenetic location: 6q25.2.
Variant type: single nucleotide variant.
Coding change: c.4000C>G on transcript NM_182961.4 (MANE Select); coding-DNA position 4000, C replaced by G.
Protein change: p.Arg1334Gly; replaces arginine 1334 with glycine.
Molecular consequence: missense variant.
Genome position (GRCh38, 1-based): chr6:152,442,083, G>C on the plus strand (C>G on the coding strand, the complement: SYNE1 is on the minus strand). VCF-style: chr6-152442083-G-C. GRCh37 (hg19) VCF-style: chr6-152763218-G-C.
Other names: c.4021C>G, p.Arg1341Gly (NM_033071.5); c.4000C>G (NM_182961.3); short protein forms R1334G, R1341G.
Identifiers: ClinVar variation 1940812 (VCV001940812.6), dbSNP rs754120599, ClinGen allele CA366146304.
Genomic context (GRCh38, chr6:152,442,083, plus strand): 5'-AGTGAACACTGCCCAGCCTCTGTTTAAATGGCCCCTAACTTCCGGCTCCTACCTGGATGC[G>C]GCGTTCCTGCCTCTCCCGGCTGCGCTCCAGGCCATCCAGTGTGCTCTCCAGCTTCCGCAG-3'
Protein context (NP_892006.3, residues 1324-1344): LERSRERQER[Arg1334Gly]IQVTLRKWER

ClinVar aggregate classification (germline): Uncertain significance. Review status: criteria provided, multiple submitters, no conflicts (2 of 4 stars). 2 submissions from 2 submitters: Uncertain significance (2). Last evaluated 2022-09-13.

Conditions:
Emery-Dreifuss muscular dystrophy 4, autosomal dominant (EDMD4). Also called: EMERY-DREIFUSS MUSCULAR DYSTROPHY 4 WITH VARIABLE FEATURES. Identifiers: Orphanet 261, MedGen C2751807, MONDO:0013071, OMIM 612998.
Autosomal recessive ataxia, Beauce type. Also called: SYNE1 Deficiency; Spinocerebellar ataxia, autosomal recessive 8; ATAXIA, RECESSIVE, OF BEAUCE; SYNE1-Related Autosomal Recessive Cerebellar Ataxia. Identifiers: Orphanet 88644, MedGen C1853116, MONDO:0012549, OMIM 610743.

gnomAD v4.1: 2 of 1,614,044 alleles (0.00012%); highest among the groups gnomAD compares: East Asian, 0.0045%; no homozygotes.

Submissions (2):

Labcorp Genetics (formerly Invitae), Labcorp
Classification: Uncertain significance for Emery-Dreifuss muscular dystrophy 4, autosomal dominant; Autosomal recessive ataxia, Beauce type. Last evaluated: 2022-09-13. Review status: criteria provided, single submitter. Criteria: Invitae Variant Classification Sherloc (09022015). Collection method: clinical testing. Allele origin: germline.
Comment: In summary, the available evidence is currently insufficient to determine the role of this variant in disease. Therefore, it has been classified as a Variant of Uncertain Significance. Algorithms developed to predict the effect of missense changes on protein structure and function are either unavailable or do not agree on the potential impact of this missense change (SIFT: "Deleterious"; PolyPhen-2: "Benign"; Align-GVGD: "Class C0"). This variant has not been reported in the literature in individuals affected with SYNE1-related conditions. This variant is not present in population databases (gnomAD no frequency). This sequence change replaces arginine, which is basic and polar, with glycine, which is neutral and non-polar, at codon 1341 of the SYNE1 protein (p.Arg1341Gly).

Victorian Clinical Genetics Services, Murdoch Childrens Research Institute
Classification: Uncertain significance for Emery-Dreifuss muscular dystrophy 4, autosomal dominant. Last evaluated: 2020-05-21. Review status: criteria provided, single submitter. Criteria: ACMG Guidelines, 2015. Collection method: clinical testing. Allele origin: germline. Affected: yes.
Comment: Based on the classification scheme VCGS_Germline_v1.1.1, this variant is classified as a 3B-VUS. Following criteria are met: 0102 - Loss-of-function is a known mechanism of disease for this gene. Multiple NMD-predicted variants have previously been reported in this gene whilst missense variants have been shown to have loss of function effects (ClinVar; PMID 30573412). (N) 0104 - Dominant Negative is a mechanism of disease for this gene. Missense variants have also been shown to have dominant-negative effects (PMID 17761684). (N) 0108 - This gene is known to be associated with both recessive and dominant disease. (N) 0200 - Variant is predicted to result in a missense amino acid change from an arginine to a glycine (exon 31). (N) 0251 - Variant is heterozygous. (N) 0301 - Variant is absent from gnomAD. (P) 0309 - An alternative amino acid change at the same position has been observed in gnomAD (13 heterozygotes, 0 homozygotes). (N) 0502 - Missense variant with conflicting in silico predictions and moderate conservation with a major amino acid change. (N) 0600 - Variant is located in an annotated domain or motif (SMC prok B super family; NCBI). (N) 0705 - No comparable variants have previous evidence for pathogenicity. (N) 0807 - Variant has not previously been reported in a clinical context. (N) 0905 - No segregation evidence has been identified for this variant. (N) 1007 - No published functional evidence has been identified for this variant. (N) 1208 - Inheritance information for this variant is not currently available. (N) Legend: (P) - Pathogenic, (N) - Neutral, (B) - Benign

Literature cited by the submitters: PubMed 17761684 (cited by Victorian Clinical Genetics Services, Murdoch Childrens Research Institute); PubMed 30573412 (cited by Victorian Clinical Genetics Services, Murdoch Childrens Research Institute).